The following is an entry in ClinVar:

ClinVar aggregate classification (germline): Uncertain significance (1 of 4 stars; one submission).

Allele frequency attached by ClinVar (database versions not stated): gnomAD exomes below 0.00001; TOPMed below 0.00001; ExAC 0.00001; gnomAD 0.00001; 1000 Genomes Project 30x 0.00016; 1000 Genomes Project 0.00020.
gnomAD v4.1: 4 of 1,598,776 alleles (0.00025%); highest among the groups gnomAD compares: South Asian, 0.0023%; no homozygotes.

Submission:

Labcorp Genetics (formerly Invitae), Labcorp
Classification: Uncertain significance. Last evaluated: 2024-11-11. Review status: criteria provided, single submitter. Criteria: Invitae Variant Classification Sherloc (09022015). Collection method: clinical testing. Allele origin: germline.
Comment: This sequence change replaces proline, which is neutral and non-polar, with leucine, which is neutral and non-polar, at codon 28 of the RBPJ protein (p.Pro28Leu). This variant is not present in population databases (gnomAD no frequency). This variant has not been reported in the literature in individuals affected with RBPJ-related conditions. ClinVar contains an entry for this variant (Variation ID: 2414301). Invitae Evidence Modeling of protein sequence and biophysical properties (such as structural, functional, and spatial information, amino acid conservation, physicochemical variation, residue mobility, and thermodynamic stability) indicates that this missense variant is not expected to disrupt RBPJ protein function with a negative predictive value of 80%. In summary, the available evidence is currently insufficient to determine the role of this variant in disease. Therefore, it has been classified as a Variant of Uncertain Significance.

NM_015874.6(RBPJ):c.44C>T (p.Pro15Leu)

Gene: RBPJ (recombination signal binding protein for immunoglobulin kappa J region; plus strand). Cytogenetic location: 4p15.2.
Variant type: single nucleotide variant.
Coding change: c.44C>T on transcript NM_015874.6 (MANE Select); coding-DNA position 44, C replaced by T.
Protein change: p.Pro15Leu; replaces proline 15 with leucine.
Molecular consequence: missense variant. On other transcripts: 5 prime UTR variant (2).
Genome position (GRCh38, 1-based): chr4:26,386,376, C>T. VCF-style: chr4-26386376-C-T. GRCh37 (hg19) VCF-style: chr4-26387998-C-T.
Other names: c.-23C>T (NM_001363577.2, NM_203283.5); c.83C>T, p.Pro28Leu (NM_001374400.1, NM_001379408.1, NM_005349.4); c.41C>T, p.Pro14Leu (NM_001374401.1, NM_001374402.1, NM_001374403.1 and 3 more transcripts); c.38C>T, p.Pro13Leu (NM_001379409.1); short protein forms P13L, P14L, P15L, P28L.
Identifiers: ClinVar variation 2414301 (VCV002414301.6), dbSNP rs560192327, ClinGen allele CA2881248.
Genomic context (GRCh38, chr4:26,386,376, plus strand): 5'-TTACTTAACTTTATTTTCTTTATTTTTTTTTTTCCAGGAAATTTGGTGAGCGGCCTCCAC[C>T]TAAACGACTTACTAGGTGAGTATTATATTAGTCAGCTTTTTACACATACATTTTATGAAA-3'
Protein context (NP_056958.3, residues 5-25): VTGKFGERPP[Pro15Leu]KRLTREAMRN